The following is an entry in ClinVar:

NM_001037333.3(CYFIP2):c.1469C>T (p.Thr490Met)

Gene: CYFIP2 (cytoplasmic FMR1 interacting protein 2; plus strand). Cytogenetic location: 5q33.3.
Variant type: single nucleotide variant.
Coding change: c.1469C>T on transcript NM_001037333.3 (MANE Select); coding-DNA position 1469, C replaced by T.
Protein change: p.Thr490Met; replaces threonine 490 with methionine.
Molecular consequence: missense variant.
Genome position (GRCh38, 1-based): chr5:157,319,874, C>T. VCF-style: chr5-157319874-C-T. GRCh37 (hg19) VCF-style: chr5-156746882-C-T.
Other names: c.1391C>T, p.Thr464Met (NM_001291721.2); c.1469C>T, p.Thr490Met (NM_001291722.2, NM_014376.4); short protein forms T464M, T490M.
Identifiers: ClinVar variation 1325963 (VCV001325963.7), dbSNP rs1478391225, ClinGen allele CA361969037.

ClinVar aggregate classification (germline): Conflicting classifications of pathogenicity. Review status: criteria provided, conflicting classifications (1 of 4 stars). 2 submissions from 2 submitters: Likely pathogenic (1); Uncertain significance (1). Last evaluated 2025-07-07.

Allele frequency attached by ClinVar (database versions not stated): TOPMed below 0.00001; gnomAD 0.00003 and 0.00004.
gnomAD v4.1: 10 of 1,613,940 alleles (0.00062%); highest among the groups gnomAD compares: African/African-American, 0.0053%; no homozygotes.

Submissions (2):

GeneDx
Classification: Uncertain significance. Last evaluated: 2025-07-07. Review status: criteria provided, single submitter. Criteria: GeneDx Variant Classification Process June 2021. Collection method: clinical testing. Allele origin: germline. Affected: yes.
Comment: Reported previously as a de novo variant with confirmed parentage in a patient with features of CYFIP2-related developmental and epileptic encephalopathy (PMID: 33149277); In silico analysis supports that this missense variant has a deleterious effect on protein structure/function; This variant is associated with the following publications: (PMID: 37975178, 33149277, 39774290)

Labcorp Genetics (formerly Invitae), Labcorp
Classification: Likely pathogenic. Last evaluated: 2023-06-09. Review status: criteria provided, single submitter. Criteria: Invitae Variant Classification Sherloc (09022015). Collection method: clinical testing. Allele origin: germline.
Comment: In summary, the currently available evidence indicates that the variant is pathogenic, but additional data are needed to prove that conclusively. Therefore, this variant has been classified as Likely Pathogenic. This sequence change replaces threonine, which is neutral and polar, with methionine, which is neutral and non-polar, at codon 490 of the CYFIP2 protein (p.Thr490Met). This variant is present in population databases (no rsID available, gnomAD 0.06%). This missense change has been observed in individual(s) with clinical features of developmental and epileptic encephalopathy (PMID: 33149277). In at least one individual the variant was observed to be de novo. ClinVar contains an entry for this variant (Variation ID: 1325963). Experimental studies and prediction algorithms are not available or were not evaluated, and the functional significance of this variant is currently unknown.

Literature cited by the submitters: PubMed 33149277 (cited by Labcorp Genetics (formerly Invitae), Labcorp).